The following is an entry in ClinVar:

ClinVar aggregate classification (germline): Pathogenic (1 of 4 stars; one submission).

Conditions:
Tuberous sclerosis 2 (TSC2). Identifiers: Orphanet 805, MedGen C1860707, MONDO:0013199, OMIM 613254.

Submission:

Juno Genomics, Hangzhou Juno Genomics, Inc
Classification: Pathogenic for Tuberous sclerosis 2. Review status: criteria provided, single submitter. Criteria: ACMG Guidelines, 2015. Collection method: clinical testing. Allele origin: germline. Affected: yes.
Comment: Absent from controls (or at extremely low frequency if recessive) in Genome Aggregation Database, Exome Sequencing Project, 1000 Genomes Project, or Exome Aggregation Consortium.;Null variant in a gene where loss of function (LOF) is a known mechanism of disease.;De novo (both maternity and paternity confirmed) in a patient with the disease and no family history.;Patient's phenotype or family history is highly specific for a disease with a single genetic etiology.

NM_000548.5(TSC2):c.2665del (p.Ala889fs)

Gene: TSC2 (TSC complex subunit 2; plus strand). Cytogenetic location: 16p13.3.
Variant type: Deletion.
Coding change: c.2665del on transcript NM_000548.5 (MANE Select); coding-DNA position 2665, one base deleted (G; older notation c.2665delG).
Protein change: p.Ala889fs; shifts the reading frame from alanine 889.
Molecular consequence: frameshift variant. On other transcripts: non-coding transcript variant (5).
Genome position (GRCh38, 1-based): chr16:2,076,093, G deleted; the last of 2 consecutive G bases (chr16:2,076,092-2,076,093); deleting either gives the same sequence. VCF-style (leftmost placement, unchanged base first): chr16-2076091-TG-T. GRCh37 (hg19) VCF-style: chr16-2126092-TG-T.
Other names: c.2065del, p.Ala689fs (NM_001318831.2, NM_001406680.1, NM_001406682.1 and 6 more transcripts); c.2698del, p.Ala900fs (NM_001318832.2); c.2665del, p.Ala889fs (NM_001363528.2, NM_001370404.1, NM_001370405.1 and 6 more transcripts); c.2755del, p.Ala919fs (NM_001406667.1, NM_001406668.1); c.2554del, p.Ala852fs (NM_001406670.1, NM_001406678.1, NM_001318827.2); c.2653del, p.Ala885fs (NM_001406671.1, NM_001406673.1); c.2518del, p.Ala840fs (NM_001406675.1, NM_001406676.1, NM_001406679.1 and 1 more transcripts); c.2608del, p.Ala870fs (NM_001406677.1); and 3 more; short protein forms A355fs, A441fs, A689fs, A735fs, A840fs, A852fs, A870fs, A885fs.
Identifiers: ClinVar variation 3382619 (VCV003382619.2).